The following is an entry in ClinVar:

NM_000350.3(ABCA4):c.6751dup (p.Gln2251fs)

Gene: ABCA4 (ATP binding cassette subfamily A member 4; minus strand). Cytogenetic location: 1p22.1.
Variant type: Duplication.
Coding change: c.6751dup on transcript NM_000350.3 (MANE Select); coding-DNA position 6751, one base duplicated (C; older notation c.6751dupC).
Protein change: p.Gln2251fs; shifts the reading frame from glutamine 2251.
Molecular consequence: frameshift variant.
Genome position (GRCh38, 1-based): chr1:93,996,174, G duplicated on the plus strand (C on the coding strand, the reverse complement: ABCA4 is on the minus strand). VCF-style (leftmost placement, unchanged base first): chr1-93996173-T-TG. GRCh37 (hg19) VCF-style: chr1-94461729-T-TG.
Other names: c.6529dup, p.Gln2177fs (NM_001425324.1); short protein forms Q2177fs, Q2251fs.
Identifiers: ClinVar variation 4723634 (VCV004723634.1).

ClinVar aggregate classification (germline): Pathogenic (1 of 4 stars; one submission).

Submission:

Labcorp Genetics (formerly Invitae), Labcorp
Classification: Pathogenic. Last evaluated: 2025-07-21. Review status: criteria provided, single submitter. Criteria: Invitae Variant Classification Sherloc (09022015). Collection method: clinical testing. Allele origin: germline.
Comment: This sequence change creates a premature translational stop signal (p.Gln2251Profs*4) in the ABCA4 gene. It is expected to result in an absent or disrupted protein product. Loss-of-function variants in ABCA4 are known to be pathogenic (PMID: 10958761, 24938718, 25312043, 26780318). This variant is not present in population databases (gnomAD no frequency). This variant has not been reported in the literature in individuals affected with ABCA4-related conditions. For these reasons, this variant has been classified as Pathogenic.

Literature cited by the submitters: PubMed 10958761; PubMed 24938718; PubMed 25312043; PubMed 26780318.